The following is an entry in ClinVar:

NM_015978.3(TNNI3K):c.1997C>T (p.Ala666Val)

Genes: FPGT-TNNI3K (FPGT-TNNI3K readthrough; plus strand), TNNI3K (TNNI3 interacting kinase; plus strand). Cytogenetic location: 1p31.1.
Variant type: single nucleotide variant.
Coding change: c.1997C>T on transcript NM_015978.3 (MANE Select); coding-DNA position 1997, C replaced by T.
Protein change: p.Ala666Val; replaces alanine 666 with valine.
Molecular consequence: missense variant.
Genome position (GRCh38, 1-based): chr1:74,439,608, C>T. VCF-style: chr1-74439608-C-T. GRCh37 (hg19) VCF-style: chr1-74905292-C-T.
Other names: c.2300C>T, p.Ala767Val (NM_001112808.3, NM_001199327.2); short protein forms A767V, A666V.
Identifiers: ClinVar variation 3687920 (VCV003687920.2).

ClinVar aggregate classification (germline): Uncertain significance (1 of 4 stars; one submission).

gnomAD v4.1: 1 of 1,613,396 alleles (0.000062%); highest among the groups gnomAD compares: Non-Finnish European, 0.000085%; no homozygotes.

Submission:

Labcorp Genetics (formerly Invitae), Labcorp
Classification: Uncertain significance. Last evaluated: 2024-04-30. Review status: criteria provided, single submitter. Criteria: Invitae Variant Classification Sherloc (09022015). Collection method: clinical testing. Allele origin: germline.
Comment: This sequence change replaces alanine, which is neutral and non-polar, with valine, which is neutral and non-polar, at codon 666 of the TNNI3K protein (p.Ala666Val). This variant is present in population databases (rs775710384, gnomAD 0.002%). This variant has not been reported in the literature in individuals affected with TNNI3K-related conditions. An algorithm developed to predict the effect of missense changes on protein structure and function (PolyPhen-2) suggests that this variant is likely to be tolerated. In summary, the available evidence is currently insufficient to determine the role of this variant in disease. Therefore, it has been classified as a Variant of Uncertain Significance.